The following is an entry in ClinVar:

NM_001377.3(DYNC2H1):c.11245dup (p.Cys3749fs)

Gene: DYNC2H1 (dynein cytoplasmic 2 heavy chain 1; plus strand). Cytogenetic location: 11q22.3.
Variant type: Duplication.
Coding change: c.11245dup on transcript NM_001377.3 (MANE Select); coding-DNA position 11245, one base duplicated (T; older notation c.11245dupT).
Protein change: p.Cys3749fs; shifts the reading frame from cysteine 3749.
Molecular consequence: frameshift variant.
Genome position (GRCh38, 1-based): chr11:103,303,242, T duplicated. VCF-style (leftmost placement, unchanged base first): chr11-103303241-G-GT. GRCh37 (hg19) VCF-style: chr11-103173970-G-GT.
Other names: c.11266dup, p.Cys3756fs (NM_001080463.2); short protein forms C3749fs, C3756fs.
Identifiers: ClinVar variation 5015817 (VCV005015817.1).

ClinVar aggregate classification (germline): Pathogenic (1 of 4 stars; one submission).

Conditions:
Asphyxiating thoracic dystrophy 3. Also called: SHORT-RIB THORACIC DYSPLASIA 3 WITH OR WITHOUT POLYDACTYLY; POLYDACTYLY WITH NEONATAL CHONDRODYSTROPHY, TYPE I; SHORT-RIB THORACIC DYSPLASIA 3/6 WITH POLYDACTYLY, DIGENIC; Short rib polydactyly syndrome 2B; Saldino-Noonan Syndrome. Identifiers: Orphanet 474, Orphanet 93269, Orphanet 93270, Orphanet 93271, MedGen C0036069, MONDO:0013127, OMIM 613091.

Submission:

Myriad Genetics, Inc.
Classification: Pathogenic for Asphyxiating thoracic dystrophy 3. Last evaluated: 2026-04-21. Review status: criteria provided, single submitter. Criteria: Myriad Autosomal Dominant, Autosomal Recessive and X-Linked Classification Criteria (2023). Collection method: clinical testing. Allele origin: unknown.
Comment: NM_001377.2(DYNC2H1):c.11245dupT(C3749Lfs*13) is expected to be pathogenic in the context of DYNC2H1-related disorders. This variant is predicted to lead to an abnormal or absent protein product due to the creation of a premature termination codon in DYNC2H1, a gene where loss-of-function variants are known to be pathogenic. Please note: this variant was assessed in the context of healthy population screening.